The following is an entry in ClinVar:

ClinVar aggregate classification (germline): Uncertain significance. Review status: criteria provided, multiple submitters, no conflicts (2 of 4 stars). 2 submissions from 2 submitters: Uncertain significance (2). Last evaluated 2025-06-16.

Conditions:
Inborn genetic diseases. Identifiers: MedGen C0950123, MeSH D030342.

Submissions (2):

Ambry Genetics
Classification: Uncertain significance for Inborn genetic diseases. Last evaluated: 2025-06-16. Review status: criteria provided, single submitter. Criteria: Ambry Variant Classification Scheme 2023. Collection method: clinical testing. Allele origin: germline.

Labcorp Genetics (formerly Invitae), Labcorp
Classification: Uncertain significance. Last evaluated: 2021-11-20. Review status: criteria provided, single submitter. Criteria: Invitae Variant Classification Sherloc (09022015). Collection method: clinical testing. Allele origin: germline.
Comment: In summary, the available evidence is currently insufficient to determine the role of this variant in disease. Therefore, it has been classified as a Variant of Uncertain Significance. Algorithms developed to predict the effect of sequence changes on RNA splicing suggest that this variant may create or strengthen a splice site. Advanced modeling of protein sequence and biophysical properties (such as structural, functional, and spatial information, amino acid conservation, physicochemical variation, residue mobility, and thermodynamic stability) performed at Invitae indicates that this missense variant is not expected to disrupt CSF1R protein function. This variant has not been reported in the literature in individuals affected with CSF1R-related conditions. This variant is not present in population databases (gnomAD no frequency). This sequence change replaces isoleucine, which is neutral and non-polar, with valine, which is neutral and non-polar, at codon 215 of the CSF1R protein (p.Ile215Val).

NM_001288705.3(CSF1R):c.643A>G (p.Ile215Val)

Genes: CSF1R (colony stimulating factor 1 receptor; minus strand), LOC111188154 (RORalpha allelically-responsive CSF1R enhancer; plus strand). Cytogenetic location: 5q32.
Variant type: single nucleotide variant.
Coding change: c.643A>G on transcript NM_001288705.3 (MANE Select); coding-DNA position 643, A replaced by G.
Protein change: p.Ile215Val; replaces isoleucine 215 with valine.
Molecular consequence: missense variant. On other transcripts: non-coding transcript variant (2).
Genome position (GRCh38, 1-based): chr5:150,078,198, T>C on the plus strand (A>G on the coding strand, the complement: CSF1R is on the minus strand). VCF-style: chr5-150078198-T-C. GRCh37 (hg19) VCF-style: chr5-149457761-T-C.
Other names: c.643A>G, p.Ile215Val (NM_001349736.2, NM_001375320.1, NM_005211.4); c.199A>G, p.Ile67Val (NM_001375321.1); c.643A>G (NM_005211.3); short protein forms I215V, I67V.
Identifiers: ClinVar variation 1413447 (VCV001413447.7), dbSNP rs2113826844, ClinGen allele CA361730347.